The following is an entry in ClinVar:

NM_000094.4(COL7A1):c.4810G>C (p.Gly1604Arg)

Gene: COL7A1 (collagen type VII alpha 1 chain; minus strand). Cytogenetic location: 3p21.31.
Variant type: single nucleotide variant.
Coding change: c.4810G>C on transcript NM_000094.4 (MANE Select); coding-DNA position 4810, G replaced by C.
Protein change: p.Gly1604Arg; replaces glycine 1604 with arginine.
Molecular consequence: missense variant.
Genome position (GRCh38, 1-based): chr3:48,581,456, C>G on the plus strand (G>C on the coding strand, the complement: COL7A1 is on the minus strand). VCF-style: chr3-48581456-C-G. GRCh37 (hg19) VCF-style: chr3-48618889-C-G.
Other names: short protein forms G1604R.
Identifiers: ClinVar variation 631926 (VCV000631926.7), dbSNP rs1560234201, ClinGen allele CA352684020.
Genomic context (GRCh38, chr3:48,581,456, plus strand): 5'-AGGGGAGGGGACCCCAGAAGCCTTGAGGTTGCCCAGGGTAACGGGTACTCACTGGGGGTC[C>G]TGCTCTGCCAGTAAGGCCAATGGGACCCTGAAGGGGACAGAAGGGGGGCAGGACTTAGTC-3'
Protein context (NP_000085.1, residues 1594-1614): RGPIGLTGRA[Gly1604Arg]PPGDSGPPGE

ClinVar aggregate classification (germline): Pathogenic (1 of 4 stars; one submission).

Submission:

Labcorp Genetics (formerly Invitae), Labcorp
Classification: Pathogenic. Last evaluated: 2025-04-07. Review status: criteria provided, single submitter. Criteria: Invitae Variant Classification Sherloc (09022015). Collection method: clinical testing. Allele origin: germline.
Comment: This sequence change replaces glycine, which is neutral and non-polar, with arginine, which is basic and polar, at codon 1604 of the COL7A1 protein (p.Gly1604Arg). This variant is not present in population databases (gnomAD no frequency). This missense change has been observed in individual(s) with autosomal recessive epidermolysis bullosa dystrophica (PMID: 10504458). ClinVar contains an entry for this variant (Variation ID: 631926). Invitae Evidence Modeling of protein sequence and biophysical properties (such as structural, functional, and spatial information, amino acid conservation, physicochemical variation, residue mobility, and thermodynamic stability) indicates that this missense variant is expected to disrupt COL7A1 protein function with a positive predictive value of 95%. This variant disrupts the triple helix domain of COL7A1. Glycine residues within the Gly-Xaa-Yaa repeats of the triple helix domain are required for the structure and stability of fibrillar collagens (PMID: 7695699, 8218237, 19344236), and variants at these glycine residues in COL7A1 are more frequently observed in individuals with disease than in the general population (PMID: 22058051). However, the clinical significance of this observation remains uncertain since only a limited number of affected individuals have been described to date. This variant disrupts the p.Gly1604 amino acid residue in COL7A1. Other variant(s) that disrupt this residue have been observed in individuals with COL7A1-related conditions (PMID: 32484238), which suggests that this may be a clinically significant amino acid residue. For these reasons, this variant has been classified as Pathogenic.

Literature cited by the submitters: PubMed 10504458; PubMed 7695699; PubMed 8218237; PubMed 19344236; PubMed 22058051; PubMed 32484238.